The following is an entry in ClinVar:

ClinVar aggregate classification (germline): Uncertain significance (1 of 4 stars; one submission).

Conditions:
PLXNA4-related disorder. Also called: PLXNA4-related condition.

Submission:

PreventionGenetics, part of Exact Sciences
Classification: Uncertain significance for PLXNA4-related condition. Last evaluated: 2025-04-30. Review status: criteria provided, single submitter. Criteria: ACMG Guidelines, 2015. Collection method: clinical testing. Allele origin: germline.
Comment: The PLXNA4 c.2049T>A variant is predicted to result in the amino acid substitution p.His683Gln. To our knowledge, this variant has not been reported in the literature or in a large population database (gnomAD), indicating this variant is rare. At this time, the clinical significance of this variant is uncertain due to the absence of conclusive functional and genetic evidence.

NM_020911.2(PLXNA4):c.2049T>A (p.His683Gln)

Gene: PLXNA4 (plexin A4; minus strand). Cytogenetic location: 7q32.3.
Variant type: single nucleotide variant.
Coding change: c.2049T>A on transcript NM_020911.2 (MANE Select); coding-DNA position 2049, T replaced by A.
Protein change: p.His683Gln; replaces histidine 683 with glutamine.
Molecular consequence: missense variant.
Genome position (GRCh38, 1-based): chr7:132,223,575, A>T on the plus strand (T>A on the coding strand, the complement: PLXNA4 is on the minus strand). VCF-style: chr7-132223575-A-T. GRCh37 (hg19) VCF-style: chr7-131908334-A-T.
Other names: c.2049T>A, p.His683Gln (NM_001393897.1); short protein forms H683Q.
Identifiers: ClinVar variation 4996868 (VCV004996868.1).